The following is an entry in ClinVar:

ClinVar aggregate classification (germline): Uncertain significance. Review status: criteria provided, single submitter (1 of 4 stars). 2 submissions from 1 submitter: Uncertain significance (1). 1 of the submissions does not count toward it. Last evaluated 2015-08-01.

Conditions:
Frontotemporal dementia (FTD1). Also called: FRONTOTEMPORAL DEMENTIA WITH PARKINSONISM; FRONTOTEMPORAL LOBE DEMENTIA; MULTIPLE SYSTEM TAUOPATHY WITH PRESENILE DEMENTIA; WILHELMSEN-LYNCH DISEASE; Frontotemporal lobe dementia (FLDEM); FRONTOTEMPORAL LOBAR DEGENERATION WITH TAU INCLUSIONS. Identifiers: Orphanet 282, MedGen C0338451, MONDO:0017276, OMIM 600274, HP:0002145.

Submissions (2):

Center for Neuroscience and Cell Biology, University of Coimbra, Portugal
Classification: Uncertain significance. Last evaluated: 2015-08-01. Review status: criteria provided, single submitter. Criteria: Submitter's publication. Collection method: research. Allele origin: unknown. Affected: yes. Observed: 5 variant alleles, 5 compound heterozygotes. Clinical features observed: Developmental delay, Dysmorphic features, Epilepsy, Cerebral calcifications.

Center for Neuroscience and Cell Biology, University of Coimbra, Portugal
Classification: Uncertain significance for Frontotemporal dementia. Last evaluated: 2015-08-01. Review status: flagged submission. Criteria: Submitter's publication. Collection method: research. Allele origin: unknown. Affected: yes. Observed: 1 variant allele, 1 heterozygote. Not counted in ClinVar's aggregate classification.
ClinVar note: Reason: This record appears to be redundant with a more recent record from the same submitter.
ClinVar note: Notes: SCV000243946 appears to be redundant with SCV000243947.

NM_002397.5(MEF2C):c.-208del

Gene: MEF2C (myocyte enhancer factor 2C; minus strand). Cytogenetic location: 5q14.3.
Variant type: Deletion.
Coding change: c.-208del on transcript NM_002397.5 (MANE Select); 208 bases upstream of the start codon, one base deleted (T; older notation c.-208delT).
Molecular consequence: 5 prime UTR variant. On other transcripts: intron variant (7).
Genome position (GRCh38, 1-based): chr5:88,883,020, A deleted on the plus strand (T on the coding strand, the reverse complement: MEF2C is on the minus strand); the first of 10 consecutive A bases (chr5:88,883,020-88,883,029); deleting any one gives the same sequence. VCF-style (leftmost placement, unchanged base first): chr5-88883019-GA-G. GRCh37 (hg19) VCF-style: chr5-88178836-GA-G.
Other names: c.-208del (NM_001193349.3, NM_001308002.3, NM_001364336.2 and 5 more transcripts); c.-205del (NM_001193350.2, NM_001364332.2, NM_001364333.2 and 8 more transcripts); c.-304del (NM_001364331.2); c.-140+4482del (NM_001364329.2, NM_001364334.2); c.-143+4482del (NM_001364330.2, NM_001131005.2, NM_001193347.1); c.-143+1469del (NM_001364345.2, NM_001364335.2).
Identifiers: ClinVar variation 354593 (VCV000354593.6), dbSNP rs886060864, ClinGen allele CA10622455.
Genomic context (GRCh38, chr5:88,883,019, plus strand): 5'-AGGAAGACCCGATCAGATTAGTCCTTGGGATATTTTCCTTTCTTAAGAGAGAGAGAGAGA[GA>G]AAAAAAAAATAACAACAATAATCTTTACTTCGTCCAGCGTTGAAGTGCTTCTCCACCTGA-3'